The following is an entry in ClinVar:

ClinVar aggregate classification (germline): Uncertain significance. Review status: criteria provided, multiple submitters, no conflicts (2 of 4 stars). 2 submissions from 2 submitters: Uncertain significance (2). Last evaluated 2026-01-30.

Conditions:
Duchenne muscular dystrophy (DMD). Also called: Duchenne Muscular Dystrophy (DMD); MUSCULAR DYSTROPHY, PSEUDOHYPERTROPHIC PROGRESSIVE, DUCHENNE TYPE. Identifiers: Orphanet 98896, MedGen C0013264, MONDO:0010679, OMIM 310200.
Progressive muscular dystrophy. Identifiers: Orphanet 206644, MedGen C4551827, MONDO:0016106.

gnomAD v4.1: 1 of 1,210,440 alleles (0.000083%); highest among the groups gnomAD compares: South Asian, 0.0018%; no homozygotes.

Submissions (2):

Myriad Genetics, Inc.
Classification: Uncertain significance for Progressive muscular dystrophy. Last evaluated: 2026-01-30. Review status: criteria provided, single submitter. Criteria: Myriad Autosomal Dominant, Autosomal Recessive and X-Linked Classification Criteria (2023). Collection method: clinical testing. Allele origin: unknown.
Comment: NM_004006.2(DMD):c.3230C>T(A1077V) is a missense variant classified as a variant of uncertain significance in the context of dystrophinopathy (including Duchenne/Becker muscular dystrophy). A1077V has not been observed in cases with relevant disease. Relevant functional assessments of this variant are not available in the literature. A1077V has not been observed in referenced population frequency databases. In summary, there is insufficient evidence to classify NM_004006.2(DMD):c.3230C>T(A1077V) as pathogenic or benign. Please note: this variant was assessed in the context of healthy population screening.

Labcorp Genetics (formerly Invitae), Labcorp
Classification: Uncertain significance for Duchenne muscular dystrophy. Last evaluated: 2021-09-08. Review status: criteria provided, single submitter. Criteria: Invitae Variant Classification Sherloc (09022015). Collection method: clinical testing. Allele origin: germline.
Comment: This variant has not been reported in the literature in individuals affected with DMD-related conditions. This sequence change replaces alanine with valine at codon 1077 of the DMD protein (p.Ala1077Val). The alanine residue is highly conserved and there is a small physicochemical difference between alanine and valine. This variant is not present in population databases (ExAC no frequency). Algorithms developed to predict the effect of missense changes on protein structure and function (SIFT, PolyPhen-2, Align-GVGD) all suggest that this variant is likely to be disruptive. In summary, the available evidence is currently insufficient to determine the role of this variant in disease. Therefore, it has been classified as a Variant of Uncertain Significance.

NM_004006.3(DMD):c.3230C>T (p.Ala1077Val)

Gene: DMD (dystrophin; minus strand). Cytogenetic location: Xp21.1.
Variant type: single nucleotide variant.
Coding change: c.3230C>T on transcript NM_004006.3 (MANE Select); coding-DNA position 3230, C replaced by T.
Protein change: p.Ala1077Val; replaces alanine 1077 with valine.
Molecular consequence: missense variant.
Genome position (GRCh38, 1-based): chrX:32,464,632, G>A on the plus strand (C>T on the coding strand, the complement: DMD is on the minus strand). VCF-style: chrX-32464632-G-A. GRCh37 (hg19) VCF-style: chrX-32482749-G-A.
Other names: c.3206C>T, p.Ala1069Val (NM_000109.4); c.3218C>T, p.Ala1073Val (NM_004009.3); c.2861C>T, p.Ala954Val (NM_004010.3); short protein forms A954V, A1069V, A1073V, A1077V.
Identifiers: ClinVar variation 1414391 (VCV001414391.7), dbSNP rs2148427766, ClinGen allele CA412664867.